The following is an entry in ClinVar:

ClinVar aggregate classification (germline): Pathogenic. Review status: criteria provided, multiple submitters, no conflicts (2 of 4 stars). 2 submissions from 2 submitters: Pathogenic (2). Last evaluated 2023-03-06.

Conditions:
NOTCH3-related disorder. Also called: NOTCH3-related condition; NOTCH3-related disorders.

Allele frequency attached by ClinVar (database versions not stated): gnomAD exomes below 0.00001.
gnomAD v4.1: 1 of 1,611,954 alleles (0.000062%); highest among the groups gnomAD compares: Admixed American, 0.0017%; no homozygotes.

Submissions (2):

PreventionGenetics, part of Exact Sciences
Classification: Pathogenic for NOTCH3-related condition. Last evaluated: 2023-03-06. Review status: criteria provided, single submitter. Criteria: ACMG Guidelines, 2015. Collection method: clinical testing. Allele origin: germline.
Comment: The NOTCH3 c.3011G>A variant is predicted to result in the amino acid substitution p.Cys1004Tyr. This variant was reported in an individual with CADASIL (Guerrot et al. 2008. PubMed ID: 18572291). This variant has not been reported in a large population database, indicating it is rare. Most CADASIL causing variants in the NOTCH3 gene result in the gain or loss of one or more cysteine residues in the extracellular domain of the protein, as seen in this patient. This patient’s variant alters a cysteine residue and is located in the extracellular EGF-like domain 26. Pathogenic variants in EGF-like domains 1-6 appear to be fully penetrant and are usually associated with the classical CADASIL phenotype. However, there is variability in disease severity. Pathogenic variants in EGF-like domains 7-34 have a much higher population frequency, and can predispose to a milder small-vessel disease, possibly even displaying incomplete or at least very late onset complete penetrance (OMIM #125310; Rutten et al. 2016. PubMed ID: 27844030; Rutten et al. 2019. PubMed ID: 30032161). This variant is interpreted as pathogenic.

Athena Diagnostics
Classification: Pathogenic. Last evaluated: 2020-10-07. Review status: criteria provided, single submitter. Criteria: Athena Diagnostics criteria. Collection method: clinical testing. Allele origin: unknown.
Comment: This variant has not been reported in large, multi-ethnic general populations. In some published literature, this variant is referred to as c.3089G>A. This variant has been identified in at least one individual with clinical features associated with this gene. Greater than 90% of NOTCH3 pathogenic mutations associated with CADASIL involve the gain or loss of a cysteine residue within the epidermal growth factor (EGF)-like repeat domain (PMID: 32457593, 20301673).

Literature cited by the submitters: PubMed 18572291 (cited by Athena Diagnostics); PubMed 19542611 (cited by Athena Diagnostics).

NM_000435.3(NOTCH3):c.3011G>A (p.Cys1004Tyr)

Gene: NOTCH3 (notch receptor 3; minus strand). Cytogenetic location: 19p13.12.
Variant type: single nucleotide variant.
Coding change: c.3011G>A on transcript NM_000435.3 (MANE Select); coding-DNA position 3011, G replaced by A.
Protein change: p.Cys1004Tyr; replaces cysteine 1004 with tyrosine.
Molecular consequence: missense variant.
Genome position (GRCh38, 1-based): chr19:15,180,812, C>T on the plus strand (G>A on the coding strand, the complement: NOTCH3 is on the minus strand). VCF-style: chr19-15180812-C-T. GRCh37 (hg19) VCF-style: chr19-15291623-C-T.
Other names: short protein forms C1004Y.
Identifiers: ClinVar variation 447822 (VCV000447822.3), dbSNP rs1555727944, ClinGen allele CA404514396.
Genomic context (GRCh38, chr19:15,180,812, plus strand): 5'-CAAAGGCAATAGGCCCCAGTCTGGACGCAGCGACCCCCGTTTTGACAAGGCTGGCGGCTG[C>T]ACCAATCCACCAGCGTCTGGAGGGGAAGCACTCAGAGTCAGTACTGTGGGGTGGGGGGTA-3'
Protein context (NP_000426.2, residues 994-1014): GPQCQTLVDW[Cys1004Tyr]SRQPCQNGGR